The following is an entry in ClinVar:

NM_006767.4(LZTR1):c.328A>G (p.Thr110Ala)

Gene: LZTR1 (leucine zipper like post translational regulator 1; plus strand). Cytogenetic location: 22q11.21.
Variant type: single nucleotide variant.
Coding change: c.328A>G on transcript NM_006767.4 (MANE Select); coding-DNA position 328, A replaced by G.
Protein change: p.Thr110Ala; replaces threonine 110 with alanine.
Molecular consequence: missense variant.
Genome position (GRCh38, 1-based): chr22:20,987,511, A>G. VCF-style: chr22-20987511-A-G. GRCh37 (hg19) VCF-style: chr22-21341800-A-G.
Other names: short protein forms T110A.
Identifiers: ClinVar variation 4615678 (VCV004615678.1).

ClinVar aggregate classification (germline): Uncertain significance (1 of 4 stars; one submission).

Conditions:
Cardiovascular phenotype. Identifiers: MedGen CN230736.
Hereditary cancer-predisposing syndrome. Also called: Neoplastic Syndromes, Hereditary; Tumor predisposition; Hereditary Cancer Syndrome; Hereditary neoplastic syndrome. Identifiers: Orphanet 140162, MedGen C0027672, MeSH D009386, MONDO:0015356.

Submission:

Ambry Genetics
Classification: Uncertain significance for Cardiovascular phenotype; Hereditary cancer-predisposing syndrome. Last evaluated: 2025-12-02. Review status: criteria provided, single submitter. Criteria: Ambry Variant Classification Scheme 2023. Collection method: clinical testing. Allele origin: germline.
Comment: The p.T110A variant (also known as c.328A>G), located in coding exon 4 of the LZTR1 gene, results from an A to G substitution at nucleotide position 328. The threonine at codon 110 is replaced by alanine, an amino acid with similar properties. This amino acid position is conserved. In addition, this alteration is predicted to be tolerated by in silico analysis. Based on the available evidence, the clinical significance of this variant remains unclear.